The following is an entry in ClinVar:

ClinVar aggregate classification (germline): Uncertain significance (1 of 4 stars; one submission).

Conditions:
Fabry disease. Also called: ALPHA-GALACTOSIDASE A DEFICIENCY; ANDERSON-FABRY DISEASE; CERAMIDE TRIHEXOSIDASE DEFICIENCY; GLA DEFICIENCY; HEREDITARY DYSTOPIC LIPIDOSIS; Fabry's disease. Identifiers: Orphanet 324, MedGen C0002986, MONDO:0010526, OMIM 301500, HP:0001071. Disease mechanism: Fabry disease is due to inactivating mutations in the X-linked GLA gene resulting in deficiency of the enzyme Alpha Galactosidase-A., loss of function.

Submission:

Labcorp Genetics (formerly Invitae), Labcorp
Classification: Uncertain significance for Fabry disease. Last evaluated: 2025-12-08. Review status: criteria provided, single submitter. Criteria: Invitae Variant Classification Sherloc (09022015). Collection method: clinical testing. Allele origin: germline.
Comment: This sequence change replaces leucine, which is neutral and non-polar, with valine, which is neutral and non-polar, at codon 89 of the GLA protein (p.Leu89Val). This variant is not present in population databases (gnomAD no frequency). This variant has not been reported in the literature in individuals affected with GLA-related conditions. ClinVar contains an entry for this variant (Variation ID: 1008960). Invitae Evidence Modeling of protein sequence and biophysical properties (such as structural, functional, and spatial information, amino acid conservation, physicochemical variation, residue mobility, and thermodynamic stability) indicates that this missense variant is not expected to disrupt GLA protein function with a negative predictive value of 80%. This variant disrupts the p.Leu89 amino acid residue in GLA. Other variant(s) that disrupt this residue have been determined to be pathogenic (PMID: 7531540, 9100224, 15091117; internal data). This suggests that this residue is clinically significant, and that variants that disrupt this residue are likely to be disease-causing. In summary, the available evidence is currently insufficient to determine the role of this variant in disease. Therefore, it has been classified as a Variant of Uncertain Significance.

Literature cited by the submitters: PubMed 7531540; PubMed 9100224; PubMed 15091117.

NM_000169.3(GLA):c.265C>G (p.Leu89Val)

Genes: GLA (galactosidase alpha; minus strand), RPL36A-HNRNPH2 (RPL36A-HNRNPH2 readthrough; plus strand). Cytogenetic location: Xq22.1.
Variant type: single nucleotide variant.
Coding change: c.265C>G on transcript NM_000169.3 (MANE Select); coding-DNA position 265, C replaced by G.
Protein change: p.Leu89Val; replaces leucine 89 with valine.
Molecular consequence: missense variant. On other transcripts: non-coding transcript variant (3), intron variant (2).
Genome position (GRCh38, 1-based): chrX:101,403,915, G>C on the plus strand (C>G on the coding strand, the complement: GLA is on the minus strand). VCF-style: chrX-101403915-G-C. GRCh37 (hg19) VCF-style: chrX-100658903-G-C.
Other names: c.388C>G, p.Leu130Val (NM_001406747.1, NM_001406749.1); c.265C>G, p.Leu89Val (NM_001406748.1); c.301-8021G>C (NM_001199973.2); c.178-8021G>C (NM_001199974.2); short protein forms L89V, L130V.
Identifiers: ClinVar variation 1008960 (VCV001008960.9), dbSNP rs1555986305, ClinGen allele CA413933795.